The following is an entry in ClinVar:

NM_001039591.3(USP9X):c.7534C>G (p.His2512Asp)

Gene: USP9X (ubiquitin specific peptidase 9 X-linked; plus strand). Cytogenetic location: Xp11.4.
Variant type: single nucleotide variant.
Coding change: c.7534C>G on transcript NM_001039591.3 (MANE Select); coding-DNA position 7534, C replaced by G.
Protein change: p.His2512Asp; replaces histidine 2512 with aspartic acid.
Molecular consequence: missense variant.
Genome position (GRCh38, 1-based): chrX:41,232,393, C>G. VCF-style: chrX-41232393-C-G. GRCh37 (hg19) VCF-style: chrX-41091646-C-G.
Other names: c.7582C>G, p.His2528Asp (NM_001039590.3); short protein forms H2512D, H2528D.
Identifiers: ClinVar variation 1684105 (VCV001684105.2), dbSNP rs2147283951, ClinGen allele CA412754777.

ClinVar aggregate classification (germline): Uncertain significance (1 of 4 stars; one submission).

Submission:

GeneDx
Classification: Uncertain significance. Last evaluated: 2022-05-09. Review status: criteria provided, single submitter. Criteria: GeneDx Variant Classification Process June 2021. Collection method: clinical testing. Allele origin: germline. Affected: yes.
Comment: Not observed in large population cohorts (gnomAD); In silico analysis supports that this missense variant does not alter protein structure/function; Has not been previously published as pathogenic or benign to our knowledge